The following is an entry in ClinVar:

NM_007254.4(PNKP):c.552C>T (p.Val184=)

Gene: PNKP (polynucleotide kinase 3'-phosphatase; minus strand). Cytogenetic location: 19q13.33.
Variant type: single nucleotide variant.
Coding change: c.552C>T on transcript NM_007254.4 (MANE Select); coding-DNA position 552, C replaced by T.
Protein change: p.Val184=; no amino-acid change (valine 184 retained).
Molecular consequence: synonymous variant.
Genome position (GRCh38, 1-based): chr19:49,864,350, G>A on the plus strand (C>T on the coding strand, the complement: PNKP is on the minus strand). VCF-style: chr19-49864350-G-A. GRCh37 (hg19) VCF-style: chr19-50367607-G-A.
Identifiers: ClinVar variation 518185 (VCV000518185.1), dbSNP rs369818814, ClinGen allele CA9586906.
Genomic context (GRCh38, chr19:49,864,350, plus strand): 5'-GCCTCACTCACTCCCTTGTTTTGCCTCTTATCACCTCCAGTCACTGGGGCCAGTGGGAAA[G>A]ACCTTCCCAGAGCGTGTGGTGATGAGCGTCCCGTCCAGATCAAAGCCAGCCACCTGGTGT-3'
Protein context (NP_009185.2, residues 174-194): GTLITTRSGK[Val184=]FPTGPSDWRI

ClinVar aggregate classification (germline): Likely benign (1 of 4 stars; one submission).

Allele frequency attached by ClinVar (database versions not stated): gnomAD 0.00001 and 0.00003; TOPMed below 0.00001; ESP Exome Variant Server 0.00008.
gnomAD v4.1: 10 of 1,613,910 alleles (0.00062%); highest among the groups gnomAD compares: Non-Finnish European, 0.00085%; no homozygotes.

Submission:

GeneDx
Classification: Likely benign. Last evaluated: 2018-02-05. Review status: criteria provided, single submitter. Criteria: GeneDx Variant Classification (06012015). Collection method: clinical testing. Allele origin: germline. Affected: yes.
Comment: This variant is considered likely benign or benign based on one or more of the following criteria: it is a conservative change, it occurs at a poorly conserved position in the protein, it is predicted to be benign by multiple in silico algorithms, and/or has population frequency not consistent with disease.